The following is an entry in ClinVar:

NM_025136.4(OPA3):c.540G>C (p.Ter180Tyr)

Genes: OPA3 (outer mitochondrial membrane lipid metabolism regulator OPA3; minus strand), OPA3-RTN2 (OPA3-RTN2 readthrough; minus strand). Cytogenetic location: 19q13.32.
Variant type: single nucleotide variant.
Coding change: c.540G>C on transcript NM_025136.4 (MANE Select); coding-DNA position 540, G replaced by C.
Protein change: p.Ter180Tyr.
Molecular consequence: stop lost. On other transcripts: intron variant (1).
Genome position (GRCh38, 1-based): chr19:45,553,514, C>G on the plus strand (G>C on the coding strand, the complement: OPA3 is on the minus strand). VCF-style: chr19-45553514-C-G. GRCh37 (hg19) VCF-style: chr19-46056772-C-G.
Other names: p.*180Yext97; p.*180Tyre*t*97; c.143-24058G>C (NM_001017989.3).
Identifiers: ClinVar variation 214928 (VCV000214928.7), dbSNP rs774281852, ClinGen allele CA323577.

ClinVar aggregate classification (germline): Conflicting classifications of pathogenicity. Review status: criteria provided, conflicting classifications (1 of 4 stars). 4 submissions from 4 submitters: Pathogenic (1); Uncertain significance (3). Last evaluated 2023-10-31.

Conditions:
3-Methylglutaconic aciduria type 3 (MGCA3). Also called: OPA3-Related 3-Methylglutaconic Aciduria; Costeff Syndrome; OPA3, AUTOSOMAL RECESSIVE; OPTIC ATROPHY 3, AUTOSOMAL RECESSIVE. Identifiers: Orphanet 67047, MedGen C0574084, MONDO:0009787, OMIM 258501.
Optic atrophy 3 (OPA3). Also called: Optic atrophy, cataract, and neurologic disorder; Optic atrophy 3 with cataract; OPTIC ATROPHY 3, AUTOSOMAL DOMINANT. Identifiers: Orphanet 67036, MedGen C1833809, MONDO:0008133, OMIM 165300.

Allele frequency attached by ClinVar (database versions not stated): gnomAD 0.00001; TOPMed 0.00001.
gnomAD v4.1: 4 of 1,612,986 alleles (0.00025%); highest among the groups gnomAD compares: Admixed American, 0.0017%; no homozygotes.

Submissions (4):

Mayo Clinic Laboratories, Mayo Clinic
Classification: Uncertain significance. Last evaluated: 2023-10-31. Review status: criteria provided, single submitter. Criteria: ACMG Guidelines, 2015. Collection method: clinical testing. Allele origin: germline. Observed: 1 variant allele.
Comment: PM2_moderate, PM4

Labcorp Genetics (formerly Invitae), Labcorp
Classification: Uncertain significance for 3-Methylglutaconic aciduria type 3; Optic atrophy 3. Last evaluated: 2021-12-11. Review status: criteria provided, single submitter. Criteria: Invitae Variant Classification Sherloc (09022015). Collection method: clinical testing. Allele origin: germline.
Comment: This sequence change disrupts the translational stop signal of the OPA3 mRNA. It is expected to extend the length of the OPA3 protein by 97 additional amino acid residues. This variant is not present in population databases (gnomAD no frequency). This variant has not been reported in the literature in individuals affected with OPA3-related conditions. ClinVar contains an entry for this variant (Variation ID: 214928). Experimental studies and prediction algorithms are not available or were not evaluated, and the functional significance of this variant is currently unknown. In summary, the available evidence is currently insufficient to determine the role of this variant in disease. Therefore, it has been classified as a Variant of Uncertain Significance.

Blueprint Genetics
Classification: Uncertain significance. Last evaluated: 2021-03-15. Review status: criteria provided, single submitter. Criteria: ACMG Guidelines, 2015. Collection method: clinical testing. Allele origin: germline.

GeneDx
Classification: Pathogenic. Last evaluated: 2012-09-14. Review status: criteria provided, single submitter. Criteria: GeneDx Variant Classification (06012015). Collection method: clinical testing. Allele origin: germline. Affected: yes.
Comment: The c.540 G>C mutation in the OPA3 gene changes the Stop codon at amino acid position 180 to a Tyrosine codon and results in the extension of the OPA3 protein by 97 amino acids, denoted p.Stop180Tyrext97. This extension of 97 amino acids is predicted to affect the function of the OPA3 protein. Although this mutation has not been previously reported to our knowledge, it is expected to be a disease-associated mutation. The variant is found in MITONUC-MITOP panel(s).